The following is an entry in ClinVar:

NM_004817.4(TJP2):c.194T>C (p.Val65Ala)

Gene: TJP2 (tight junction protein 2; plus strand). Cytogenetic location: 9q21.11.
Variant type: single nucleotide variant.
Coding change: c.194T>C on transcript NM_004817.4 (MANE Select); coding-DNA position 194, T replaced by C.
Protein change: p.Val65Ala; replaces valine 65 with alanine.
Molecular consequence: missense variant.
Genome position (GRCh38, 1-based): chr9:69,216,418, T>C. VCF-style: chr9-69216418-T-C. GRCh37 (hg19) VCF-style: chr9-71831334-T-C.
Other names: c.125T>C, p.Val42Ala (NM_001170414.2, NM_001369870.1, NM_001369871.1); c.206T>C, p.Val69Ala (NM_001170415.1, NM_001369874.1, NM_001369875.1); c.287T>C, p.Val96Ala (NM_001170416.2); c.194T>C, p.Val65Ala (NM_001369872.1, NM_001369873.1, NM_201629.3); short protein forms V42A, V96A, V65A, V69A.
Identifiers: ClinVar variation 2058876 (VCV002058876.4), dbSNP rs1317511668, ClinGen allele CA373526189.

ClinVar aggregate classification (germline): Uncertain significance (1 of 4 stars; one submission).

Allele frequency attached by ClinVar (database versions not stated): gnomAD exomes below 0.00001; gnomAD 0.00001.

Submission:

Labcorp Genetics (formerly Invitae), Labcorp
Classification: Uncertain significance. Last evaluated: 2022-07-05. Review status: criteria provided, single submitter. Criteria: Invitae Variant Classification Sherloc (09022015). Collection method: clinical testing. Allele origin: germline.
Comment: In summary, the available evidence is currently insufficient to determine the role of this variant in disease. Therefore, it has been classified as a Variant of Uncertain Significance. Algorithms developed to predict the effect of missense changes on protein structure and function are either unavailable or do not agree on the potential impact of this missense change (SIFT: "Tolerated"; PolyPhen-2: "Probably Damaging"; Align-GVGD: "Class C0"). This variant has not been reported in the literature in individuals affected with TJP2-related conditions. This variant is present in population databases (no rsID available, gnomAD 0.002%). This sequence change replaces valine, which is neutral and non-polar, with alanine, which is neutral and non-polar, at codon 65 of the TJP2 protein (p.Val65Ala).